The following is an entry in ClinVar:

ClinVar aggregate classification (germline): Uncertain significance (1 of 4 stars; one submission).

gnomAD v4.1: 2 of 1,516,868 alleles (0.00013%); highest among the groups gnomAD compares: Admixed American, 0.0035%; 1 homozygote.

Submission:

Women's Health and Genetics/Laboratory Corporation of America, LabCorp
Classification: Uncertain significance. Last evaluated: 2024-04-08. Review status: criteria provided, single submitter. Criteria: LabCorp Variant Classification Summary - May 2015. Collection method: clinical testing. Allele origin: germline.
Comment: Variant summary: CFHR1 c.92G>C (p.Gly31Ala) results in a non-conservative amino acid change located in the Sushi/SCR/CCP domain of the encoded protein sequence. Three of four in-silico tools predict a damaging effect of the variant on protein function. The variant was absent in 234880 control chromosomes. The available data on variant occurrences in the general population are insufficient to allow any conclusion about variant significance. To our knowledge, no occurrence of c.92G>C in individuals affected with Genetic Atypical Hemolytic Uremic Syndrome and no experimental evidence demonstrating its impact on protein function have been reported. No submitters have cited clinical-significance assessments for this variant to ClinVar. Based on the evidence outlined above, the variant was classified as uncertain significance.

NM_002113.3(CFHR1):c.92G>C (p.Gly31Ala)

Gene: CFHR1 (complement factor H related 1; plus strand). Cytogenetic location: 1q31.3.
Variant type: single nucleotide variant.
Coding change: c.92G>C on transcript NM_002113.3 (MANE Select); coding-DNA position 92, G replaced by C.
Protein change: p.Gly31Ala; replaces glycine 31 with alanine.
Molecular consequence: missense variant. On other transcripts: intron variant (6).
Genome position (GRCh38, 1-based): chr1:196,825,510, G>C. VCF-style: chr1-196825510-G-C. GRCh37 (hg19) VCF-style: chr1-196794640-G-C.
Other names: c.92G>C, p.Gly31Ala (NM_001379311.1); c.59-18G>C (NM_001379306.1); c.59-129G>C (NM_001379307.1); c.59-132G>C (NM_001379308.1); c.59-135G>C (NM_001379309.1); c.59-1319G>C (NM_001379310.1); c.59-1367G>C (NM_001379312.1); short protein forms G31A.
Identifiers: ClinVar variation 3251424 (VCV003251424.1), dbSNP rs750501937.